The following is an entry in ClinVar:

ClinVar aggregate classification (germline): Uncertain significance. Review status: criteria provided, multiple submitters, no conflicts (2 of 4 stars). 4 submissions from 4 submitters: Uncertain significance (4). Last evaluated 2024-10-03.

Conditions:
Inborn genetic diseases. Identifiers: MedGen C0950123, MeSH D030342.

Allele frequency attached by ClinVar (database versions not stated): ExAC 0.00001; gnomAD exomes 0.00001; TOPMed 0.00003; ESP Exome Variant Server 0.00008.
gnomAD v4.1: 130 of 1,612,408 alleles (0.0081%); highest among the groups gnomAD compares: Non-Finnish European, 0.011%; no homozygotes.

Submissions (4):

Labcorp Genetics (formerly Invitae), Labcorp
Classification: Uncertain significance. Last evaluated: 2024-10-03. Review status: criteria provided, single submitter. Criteria: Invitae Variant Classification Sherloc (09022015). Collection method: clinical testing. Allele origin: germline.
Comment: This sequence change replaces serine, which is neutral and polar, with glycine, which is neutral and non-polar, at codon 1638 of the NALCN protein (p.Ser1638Gly). This variant is present in population databases (rs369613219, gnomAD 0.007%). This variant has not been reported in the literature in individuals affected with NALCN-related conditions. ClinVar contains an entry for this variant (Variation ID: 1192899). Invitae Evidence Modeling of protein sequence and biophysical properties (such as structural, functional, and spatial information, amino acid conservation, physicochemical variation, residue mobility, and thermodynamic stability) indicates that this missense variant is not expected to disrupt NALCN protein function with a negative predictive value of 80%. In summary, the available evidence is currently insufficient to determine the role of this variant in disease. Therefore, it has been classified as a Variant of Uncertain Significance.

Ambry Genetics
Classification: Uncertain significance for Inborn genetic diseases. Last evaluated: 2024-08-01. Review status: criteria provided, single submitter. Criteria: Ambry Variant Classification Scheme 2023. Collection method: clinical testing. Allele origin: germline.

Mayo Clinic Laboratories, Mayo Clinic
Classification: Uncertain significance. Last evaluated: 2024-04-15. Review status: criteria provided, single submitter. Criteria: ACMG Guidelines, 2015. Collection method: clinical testing. Allele origin: germline. Observed: 1 variant allele.
Comment: PP2

GeneDx
Classification: Uncertain significance. Last evaluated: 2019-12-17. Review status: criteria provided, single submitter. Criteria: GeneDx Variant Classification Process June 2021. Collection method: clinical testing. Allele origin: germline. Affected: yes.
Comment: In silico analysis, which includes protein predictors and evolutionary conservation, supports that this variant does not alter protein structure/function; Has not been previously published as pathogenic or benign to our knowledge

NM_052867.4(NALCN):c.4912A>G (p.Ser1638Gly)

Genes: NALCN (sodium leak channel, non-selective; minus strand), NALCN-AS1 (NALCN antisense RNA 1; plus strand). Cytogenetic location: 13q32.3.
Variant type: single nucleotide variant.
Coding change: c.4912A>G on transcript NM_052867.4 (MANE Select); coding-DNA position 4912, A replaced by G.
Protein change: p.Ser1638Gly; replaces serine 1638 with glycine.
Molecular consequence: missense variant. On other transcripts: non-coding transcript variant (1).
Genome position (GRCh38, 1-based): chr13:101,058,050, T>C on the plus strand (A>G on the coding strand, the complement: NALCN is on the minus strand). VCF-style: chr13-101058050-T-C. GRCh37 (hg19) VCF-style: chr13-101710402-T-C.
Other names: p.Ser1638Gly; c.4999A>G, p.Ser1667Gly (NM_001350748.2); c.4912A>G, p.Ser1638Gly (NM_001350749.2); c.4825A>G, p.Ser1609Gly (NM_001350750.2, NM_001350751.2); short protein forms S1609G, S1638G, S1667G.
Identifiers: ClinVar variation 1192899 (VCV001192899.6), dbSNP rs369613219, ClinGen allele CA7034974.